The following is an entry in ClinVar:

NM_000384.3(APOB):c.10864C>T (p.Leu3622=)

Gene: APOB (apolipoprotein B; minus strand). Cytogenetic location: 2p24.1.
Variant type: single nucleotide variant.
Coding change: c.10864C>T on transcript NM_000384.3 (MANE Select); coding-DNA position 10864, C replaced by T.
Protein change: p.Leu3622=; no amino-acid change (leucine 3622 retained).
Molecular consequence: synonymous variant.
Genome position (GRCh38, 1-based): chr2:21,006,004, G>A on the plus strand (C>T on the coding strand, the complement: APOB is on the minus strand). VCF-style: chr2-21006004-G-A. GRCh37 (hg19) VCF-style: chr2-21228876-G-A.
Identifiers: ClinVar variation 925279 (VCV000925279.30), dbSNP rs769396175, ClinGen allele CA045034.

ClinVar aggregate classification (germline): Likely benign. Review status: criteria provided, multiple submitters, no conflicts (2 of 4 stars). 5 submissions from 5 submitters: Likely benign (5). Last evaluated 2026-04-01.

Conditions:
Hypercholesterolemia, autosomal dominant, type B (FHCL2). Also called: Familial Hypercholesterolemia Type B; Hyperlipoproteinemia Type IIb; APOB-Related Familial Hypercholesterolemia, Autosomal Dominant; Familial hypercholesterolemia 2; HYPERCHOLESTEROLEMIA, FAMILIAL, DUE TO LIGAND-DEFECTIVE APOLIPOPROTEIN B; APOLIPOPROTEIN B-100, FAMILIAL DEFECTIVE. Identifiers: MedGen C1704417, MONDO:0007751, OMIM 144010.
Familial hypobetalipoproteinemia 1. Also called: Hypobetalipoproteinemia, normotriglyceridemic; Acanthocytosis with hypobetalipoproteinemia; APOB-Related Familial Hypobetalipoproteinemia. Identifiers: MedGen C4551990, MONDO:0014252, OMIM 615558.
Familial hypercholesterolemia. Also called: Familial hypercholesterolemias; Familial hypercholesterolaemia. Identifiers: MedGen C0020445, MONDO:0005439.
Cardiovascular phenotype. Identifiers: MedGen CN230736.

Allele frequency attached by ClinVar (database versions not stated): gnomAD exomes below 0.00001 and 0.00001; ExAC 0.00001; gnomAD 0.00001; TOPMed 0.00001.
gnomAD v4.1: 7 of 1,613,852 alleles (0.00043%); highest among the groups gnomAD compares: Middle Eastern, 0.016%; no homozygotes.

Submissions (5):

CeGaT Center for Human Genetics Tuebingen
Classification: Likely benign. Last evaluated: 2026-04-01. Review status: criteria provided, single submitter. Criteria: CeGaT Center For Human Genetics Tuebingen Variant Classification Criteria Version 2. Collection method: clinical testing. Allele origin: germline. Affected: yes. Observed: 4 variant alleles.
Comment: APOB: BP4, BP7

Labcorp Genetics (formerly Invitae), Labcorp
Classification: Likely benign for Familial hypobetalipoproteinemia 1; Hypercholesterolemia, autosomal dominant, type B. Last evaluated: 2025-02-06. Review status: criteria provided, single submitter. Criteria: Invitae Variant Classification Sherloc (09022015). Collection method: clinical testing. Allele origin: germline.

Blueprint Genetics
Classification: Likely benign. Last evaluated: 2024-11-26. Review status: criteria provided, single submitter. Criteria: ACMG Guidelines, 2015. Collection method: clinical testing. Allele origin: germline.

GENinCode PLC
Classification: Likely benign for Familial hypercholesterolemia. Last evaluated: 2024-05-29. Review status: criteria provided, single submitter. Criteria: ACMG Guidelines, 2015. Collection method: clinical testing. Allele origin: germline.
Comment: This is a synonymous (silent) variant that is not predicted by SpliceAI to impact splicing. In addition, it occurs at a nucleotide that is not conserved. Therefore this variant has been classified as Likely Benign (BP4, BP7).

Ambry Genetics
Classification: Likely benign for Cardiovascular phenotype. Last evaluated: 2021-06-30. Review status: criteria provided, single submitter. Criteria: Ambry Variant Classification Scheme 2023. Collection method: clinical testing. Allele origin: germline.